The following is an entry in ClinVar:

ClinVar aggregate classification (germline): Pathogenic (1 of 4 stars; one submission).

Conditions:
Nail-patella syndrome (NPS). Also called: TURNER-KIESER SYNDROME; FONG DISEASE; ONYCHOOSTEODYSPLASIA. Identifiers: Orphanet 2614, MedGen C0027341, MONDO:0008061, OMIM 161200.

Submission:

Gemeinschaftspraxis fuer Humangenetik Dresden
Classification: Pathogenic for Nail-patella syndrome. Last evaluated: 2025-01-21. Review status: criteria provided, single submitter. Criteria: ACMG Guidelines, 2015. Collection method: clinical testing. Allele origin: germline. Inheritance: Autosomal dominant inheritance. Affected: yes. Observed: 1 heterozygote.
Comment: The variant c.58_100dup, p.(Ala34Glyfs*128) is not reported in HGMD 2024.4, gnomAD (v4.1.1), dbSNP (v156) or LOVD (we submitted there) so far. Due to the protein truncating character the variant is classified as pathogenic.

NM_001174147.2(LMX1B):c.58_100dup (p.Ala34fs)

Gene: LMX1B (LIM homeobox transcription factor 1 beta; plus strand). Cytogenetic location: 9q33.3.
Variant type: Duplication.
Coding change: c.58_100dup on transcript NM_001174147.2 (MANE Select); coding-DNA positions 58 to 100, 43 bases duplicated.
Protein change: p.Ala34fs; shifts the reading frame from alanine 34.
Molecular consequence: frameshift variant.
Genome position (GRCh38, 1-based): chr9:126,614,507-126,614,549, 43 bases duplicated; duplicating any 43 consecutive bases within chr9:126,614,504-126,614,549 gives the same sequence; the c. name uses the placement nearest the transcript's 3' end. GRCh37 (hg19): chr9:129,376,786-129,376,828.
Other names: c.58_100dup, p.Ala34fs (NM_001174146.2, NM_002316.4); short protein forms A34fs.
Identifiers: ClinVar variation 3602075 (VCV003602075.2).